The following is an entry in ClinVar:

ClinVar aggregate classification (germline): Uncertain significance (1 of 4 stars; one submission).

Conditions:
Cardiovascular phenotype. Identifiers: MedGen CN230736.

gnomAD v4.1: 1 of 1,612,406 alleles (0.000062%); highest among the groups gnomAD compares: Non-Finnish European, 0.000085%; no homozygotes.

Submission:

Ambry Genetics
Classification: Uncertain significance for Cardiovascular phenotype. Last evaluated: 2025-06-30. Review status: criteria provided, single submitter. Criteria: Ambry Variant Classification Scheme 2023. Collection method: clinical testing. Allele origin: germline.
Comment: The p.M292V variant (also known as c.874A>G), located in coding exon 2 of the JPH2 gene, results from an A to G substitution at nucleotide position 874. The methionine at codon 292 is replaced by valine, an amino acid with highly similar properties. This amino acid position is conserved. In addition, this alteration is predicted to be tolerated by in silico analysis. Based on the available evidence, the clinical significance of this variant remains unclear.

NM_020433.5(JPH2):c.874A>G (p.Met292Val)

Gene: JPH2 (junctophilin 2; minus strand). Cytogenetic location: 20q13.12.
Variant type: single nucleotide variant.
Coding change: c.874A>G on transcript NM_020433.5 (MANE Select); coding-DNA position 874, A replaced by G.
Protein change: p.Met292Val; replaces methionine 292 with valine.
Molecular consequence: missense variant.
Genome position (GRCh38, 1-based): chr20:44,159,913, T>C on the plus strand (A>G on the coding strand, the complement: JPH2 is on the minus strand). VCF-style: chr20-44159913-T-C. GRCh37 (hg19) VCF-style: chr20-42788553-T-C.
Other names: short protein forms M292V.
Identifiers: ClinVar variation 4089445 (VCV004089445.1).